The following is an entry in ClinVar:

ClinVar aggregate classification (germline): Likely benign. Review status: criteria provided, single submitter (1 of 4 stars). 2 submissions from 2 submitters: Likely benign (1). 1 of the submissions does not count toward it. Last evaluated 2024-11-11.

Conditions:
NTRK2-related disorder. Also called: NTRK2-related condition.

Submissions (2):

Labcorp Genetics (formerly Invitae), Labcorp
Classification: Likely benign. Last evaluated: 2024-11-11. Review status: criteria provided, single submitter. Criteria: Invitae Variant Classification Sherloc (09022015). Collection method: clinical testing. Allele origin: germline.

PreventionGenetics, part of Exact Sciences
Classification: Likely benign for NTRK2-related condition. Last evaluated: 2023-02-03. Review status: no assertion criteria provided. Collection method: clinical testing. Allele origin: germline. Not counted in ClinVar's aggregate classification.
Comment: This variant is classified as likely benign based on ACMG/AMP sequence variant interpretation guidelines (Richards et al. 2015 PMID: 25741868, with internal and published modifications).

NM_006180.6(NTRK2):c.1779C>T (p.Ala593=)

Gene: NTRK2 (neurotrophic receptor tyrosine kinase 2; plus strand). Cytogenetic location: 9q21.33.
Variant type: single nucleotide variant.
Coding change: c.1779C>T on transcript NM_006180.6 (MANE Select); coding-DNA position 1779, C replaced by T.
Protein change: p.Ala593=; no amino-acid change (alanine 593 retained).
Molecular consequence: synonymous variant.
Genome position (GRCh38, 1-based): chr9:84,948,476, C>T. VCF-style: chr9-84948476-C-T. GRCh37 (hg19) VCF-style: chr9-87563391-C-T.
Other names: c.1731C>T, p.Ala577= (NM_001018064.3, NM_001369532.1, NM_001369533.1); c.1695C>T, p.Ala565= (NM_001369534.1); c.1263C>T, p.Ala421= (NM_001369535.1); c.1311C>T, p.Ala437= (NM_001369536.1); c.1779C>T (NM_006180.4).
Identifiers: ClinVar variation 1536548 (VCV001536548.9), dbSNP rs201131013, ClinGen allele CA195814398.
Genomic context (GRCh38, chr9:84,948,476, plus strand): 5'-ATAGGGCCCACTGAAGTAATCCTTCTCTTTTAACACCCATCCCCAGACCCTGAAGGATGC[C>T]AGTGACAATGCACGCAAGGACTTCCACCGTGAGGCCGAGCTCCTGACCAACCTCCAGCAT-3'
Protein context (NP_006171.2, residues 583-603): ILVAVKTLKD[Ala593=]SDNARKDFHR